The following is an entry in ClinVar:

ClinVar aggregate classification (germline): Conflicting classifications of pathogenicity. Review status: criteria provided, conflicting classifications (1 of 4 stars). 11 submissions from 11 submitters: Uncertain significance (6); Likely benign (2). 3 of the submissions do not count toward it. Last evaluated 2025-12-23.

Conditions:
Hereditary cancer-predisposing syndrome. Also called: Hereditary Cancer Syndrome; Tumor predisposition; Neoplastic Syndromes, Hereditary; Hereditary neoplastic syndrome. Identifiers: Orphanet 140162, MedGen C0027672, MeSH D009386, MONDO:0015356.
Hereditary breast ovarian cancer syndrome. Also called: Breast and ovarian cancer; BRCA1- and BRCA2-Associated Hereditary Breast and Ovarian Cancer; Hereditary breast and ovarian cancer; Hereditary breast and ovarian cancer syndrome (HBOC); Hereditary breast and ovarian cancer syndrome; Hereditary breast and/or ovarian cancer syndrome. Identifiers: Orphanet 145, MedGen C0677776, MeSH D061325, MONDO:0003582. Disease mechanism: loss of function.
Breast-ovarian cancer, familial, susceptibility to, 2 (BROVCA2). Also called: BRCA2 Hereditary Breast and Ovarian Cancer. Identifiers: Orphanet 145, MedGen C2675520, MONDO:0012933, OMIM 612555. Disease mechanism: loss of function.

Allele frequency attached by ClinVar (database versions not stated): gnomAD exomes 0.00001; gnomAD 0.00004; TOPMed 0.00005; ExAC 0.00001.
gnomAD v4.1: 13 of 1,613,768 alleles (0.00081%); highest among the groups gnomAD compares: African/African-American, 0.015%; no homozygotes.

Submissions (11):

Labcorp Genetics (formerly Invitae), Labcorp
Classification: Likely benign for Hereditary breast ovarian cancer syndrome. Last evaluated: 2025-12-23. Review status: criteria provided, single submitter. Criteria: Invitae Variant Classification Sherloc (09022015). Collection method: clinical testing. Allele origin: germline.

All of Us Research Program, National Institutes of Health
Classification: Uncertain significance for Breast-ovarian cancer, familial, susceptibility to, 2. Last evaluated: 2023-06-08. Review status: criteria provided, single submitter. Criteria: ACMG Guidelines, 2015. Collection method: clinical testing. Allele origin: germline. Inheritance: Autosomal dominant inheritance. Observed: 1 variant allele, 1 heterozygote.
Comment: This missense variant replaces proline with serine at codon 46 of the BRCA2 protein. Computational prediction suggests that this variant may not impact protein structure and function (internally defined REVEL score threshold <= 0.5, PMID: 27666373). To our knowledge, functional studies have not been reported for this variant. This variant has been reported in an individual affected with breast cancer (PMID: 12491487). This variant has also been identified in 4/282690 chromosomes in the general population by the Genome Aggregation Database (gnomAD). The available evidence is insufficient to determine the role of this variant in disease conclusively. Therefore, this variant is classified as a Variant of Uncertain Significance.

This study involves interpretation of variants in research participants for the purpose of population health screening. Participant phenotype was not available at the time of variant classification. Additional details can be found in publication PMID: 35346344, PMCID: PMC8962531

Color Diagnostics, LLC DBA Color Health
Classification: Uncertain significance for Hereditary cancer-predisposing syndrome. Last evaluated: 2023-05-17. Review status: criteria provided, single submitter. Criteria: ACMG Guidelines, 2015. Collection method: clinical testing. Allele origin: germline.
Comment: This missense variant replaces proline with serine at codon 46 of the BRCA2 protein. Computational prediction suggests that this variant may not impact protein structure and function (internally defined REVEL score threshold <= 0.5, PMID: 27666373). To our knowledge, functional studies have not been reported for this variant. This variant has been reported in an individual affected with breast cancer (PMID: 12491487). This variant has also been identified in 4/282690 chromosomes in the general population by the Genome Aggregation Database (gnomAD). The available evidence is insufficient to determine the role of this variant in disease conclusively. Therefore, this variant is classified as a Variant of Uncertain Significance.

Quest Diagnostics Nichols Institute San Juan Capistrano
Classification: Uncertain significance. Last evaluated: 2023-01-05. Review status: criteria provided, single submitter. Criteria: Quest Diagnostics criteria. Collection method: clinical testing. Allele origin: unknown.
Comment: The frequency of this variant in the general population, 0.00016 (4/24934 chromosomes), is uninformative in assessment of its pathogenicity. In the published literature, the variant has been reported in an individual affected with breast cancer (PMID: 12491487 (2003)) and as a somatic variant identified in a melanoma tumor (PMID: 26214590 (2015)). Analysis of this variant using bioinformatics tools for the prediction of the effect of amino acid changes on protein structure and function yielded predictions that this variant is benign. Based on the available information, we are unable to determine the clinical significance of this variant.

GeneDx
Classification: Uncertain significance. Last evaluated: 2022-11-22. Review status: criteria provided, single submitter. Criteria: GeneDx Variant Classification Process June 2021. Collection method: clinical testing. Allele origin: germline. Affected: yes.
Comment: In silico analysis supports that this missense variant does not alter protein structure/function; Also known as 364C>T; This variant is associated with the following publications: (PMID: 29884841, 12491487, 26214590, 32377563, 31853058)

Women's Health and Genetics/Laboratory Corporation of America, LabCorp
Classification: Uncertain significance. Last evaluated: 2022-07-11. Review status: criteria provided, single submitter. Criteria: LabCorp Variant Classification Summary - May 2015. Collection method: clinical testing. Allele origin: germline.
Comment: Variant summary: BRCA2 c.136C>T (p.Pro46Ser) results in a non-conservative amino acid change in the encoded protein sequence. Four of five in-silico tools predict a benign effect of the variant on protein function. The variant allele was found at a frequency of 1.2e-05 in 251310 control chromosomes (gnomAD). The available data on variant occurrences in the general population are insufficient to allow any conclusion about variant significance. However the variant was also found in one African American woman, older than age 70 years who have never had cancer (FLOSSIES database). These reports do not provide unequivocal conclusions about association of the variant with Hereditary Breast And Ovarian Cancer. To our knowledge no experimental evidence demonstrating its impact on protein function has been reported. Eight clinical diagnostic laboratories have submitted clinical-significance assessments for this variant to ClinVar after 2014 and classified the variant as VUS (n=6) and likely benign (n=2). Based on the evidence outlined above, the variant was classified as uncertain significance.

CeGaT Center for Human Genetics Tuebingen
Classification: Uncertain significance. Last evaluated: 2020-03-01. Review status: criteria provided, single submitter. Criteria: CeGaT Center For Human Genetics Tuebingen Variant Classification Criteria Version 2. Collection method: clinical testing. Allele origin: germline. Affected: yes. Observed: 1 variant allele.

Ambry Genetics
Classification: Likely benign for Hereditary cancer-predisposing syndrome. Last evaluated: 2018-05-11. Review status: criteria provided, single submitter. Criteria: Ambry Variant Classification Scheme 2023. Collection method: clinical testing. Allele origin: germline.

Institute for Biomarker Research, Medical Diagnostic Laboratories, L.L.C.
Classification: Uncertain significance for Hereditary breast ovarian cancer syndrome. Last evaluated: 2021-11-09. Review status: no assertion criteria provided. Collection method: clinical testing. Allele origin: germline. Not counted in ClinVar's aggregate classification.

Counsyl
Classification: Uncertain significance for Breast-ovarian cancer, familial, susceptibility to, 2. Last evaluated: 2017-11-21. Review status: no assertion criteria provided. Collection method: clinical testing. Allele origin: unknown. Not counted in ClinVar's aggregate classification.

Breast Cancer Information Core (BIC) (BRCA2)
Classification: Uncertain significance for Breast-ovarian cancer, familial 2. Review status: no assertion criteria provided. Collection method: clinical testing. Allele origin: germline. Affected: yes. Observed: 1 variant allele. Not counted in ClinVar's aggregate classification.

Literature cited by the submitters: PubMed 12491487 (cited by 5 submitters); PubMed 26214590 (cited by Quest Diagnostics Nichols Institute San Juan Capistrano and Women's Health and Genetics/Laboratory Corporation of America, LabCorp); PubMed 29884841 (cited by Quest Diagnostics Nichols Institute San Juan Capistrano); PubMed 31853058 (cited by Quest Diagnostics Nichols Institute San Juan Capistrano); PubMed 35979650 (cited by Quest Diagnostics Nichols Institute San Juan Capistrano); PubMed 31911673 (cited by Quest Diagnostics Nichols Institute San Juan Capistrano).

NM_000059.4(BRCA2):c.136C>T (p.Pro46Ser)

Gene: BRCA2 (BRCA2 DNA repair associated; plus strand). Cytogenetic location: 13q13.1.
Variant type: single nucleotide variant.
Coding change: c.136C>T on transcript NM_000059.4 (MANE Select); coding-DNA position 136, C replaced by T.
Protein change: p.Pro46Ser; replaces proline 46 with serine.
Molecular consequence: missense variant.
Genome position (GRCh38, 1-based): chr13:32,319,145, C>T. VCF-style: chr13-32319145-C-T. GRCh37 (hg19) VCF-style: chr13-32893282-C-T.
Other names: short protein forms P46S.
Identifiers: ClinVar variation 51111 (VCV000051111.69), dbSNP rs80358425, ClinGen allele CA011790.